The following is an entry in ClinVar:

NM_198904.4(GABRG2):c.497_498del (p.Pro166fs)

Gene: GABRG2 (gamma-aminobutyric acid type A receptor subunit gamma2; plus strand). Cytogenetic location: 5q34.
Variant type: Deletion.
Coding change: c.497_498del on transcript NM_198904.4 (MANE Select); coding-DNA positions 497 to 498, 2 bases deleted (CC; older notation c.497_498delCC).
Protein change: p.Pro166fs; shifts the reading frame from proline 166.
Molecular consequence: frameshift variant.
Genome position (GRCh38, 1-based): chr5:162,097,807-162,097,808, CC deleted; deleting any 2 consecutive bases within chr5:162,097,804-162,097,808 gives the same sequence; the c. name uses the placement nearest the transcript's 3' end. VCF-style (leftmost placement, unchanged base first): chr5-162097803-ACC-A. GRCh37 (hg19) VCF-style: chr5-161524809-ACC-A.
Other names: c.497_498del, p.Pro166fs (NM_000816.3, NM_001375340.1, NM_001375341.1 and 4 more transcripts); c.488_489del, p.Pro163fs (NM_001375339.1); c.431_432del, p.Pro144fs (NM_001375345.1, NM_001375346.1); c.410_411del, p.Pro137fs (NM_001375347.1); c.77_78del, p.Pro26fs (NM_001375348.1, NM_001375350.1); c.212_213del, p.Pro71fs (NM_001375349.1); c.497_498delCC (NM_000816.3); short protein forms P137fs, P163fs, P144fs, P166fs, P26fs, P71fs.
Identifiers: ClinVar variation 4997090 (VCV004997090.1).

ClinVar aggregate classification (germline): Likely pathogenic (1 of 4 stars; one submission).

Conditions:
GABRG2-related disorder. Also called: GABRG2-related condition.

Submission:

PreventionGenetics, part of Exact Sciences
Classification: Likely pathogenic for GABRG2-related condition. Last evaluated: 2025-06-18. Review status: criteria provided, single submitter. Criteria: ACMG Guidelines, 2015. Collection method: clinical testing. Allele origin: germline.
Comment: The GABRG2 c.497_498delCC variant is predicted to result in a frameshift and premature protein termination (p.Pro166Glnfs*9). To our knowledge, this variant has not been reported in the literature or in a large population database (gnomAD), indicating this variant is rare. Frameshift variants in GABRG2 are expected to be pathogenic. This variant is interpreted as likely pathogenic.